The following is an entry in ClinVar:

ClinVar aggregate classification (germline): Benign (1 of 4 stars; one submission).

Allele frequency attached by ClinVar (database versions not stated): gnomAD 0.41008 and 0.41741; TOPMed 0.42599; 1000 Genomes Project 0.44389; 1000 Genomes Project 30x 0.44878.
gnomAD v4.1: 62,141 of 151,958 alleles (41%); highest among the groups gnomAD compares: African/African-American, 69%; 15,108 homozygotes.

Submission:

GeneDx
Classification: Benign. Last evaluated: 2018-06-19. Review status: criteria provided, single submitter. Criteria: GeneDx Variant Classification (06012015). Collection method: clinical testing. Allele origin: germline. Affected: yes.
Comment: This variant is considered likely benign or benign based on one or more of the following criteria: it is a conservative change, it occurs at a poorly conserved position in the protein, it is predicted to be benign by multiple in silico algorithms, and/or has population frequency not consistent with disease.

NM_003640.5(ELP1):c.3931+189G>A

Gene: ELP1 (elongator acetyltransferase complex subunit 1; minus strand). Cytogenetic location: 9q31.3.
Variant type: single nucleotide variant.
Coding change: c.3931+189G>A on transcript NM_003640.5 (MANE Select); 189 bases into the intron after coding-DNA position 3931, G replaced by A.
Molecular consequence: intron variant.
Genome position (GRCh38, 1-based): chr9:108,874,706, C>T on the plus strand (G>A on the coding strand, the complement: ELP1 is on the minus strand). VCF-style: chr9-108874706-C-T. GRCh37 (hg19) VCF-style: chr9-111636986-C-T.
Other names: c.3589+189G>A (NM_001318360.2); c.2884+189G>A (NM_001330749.2).
Identifiers: ClinVar variation 681954 (VCV000681954.1), dbSNP rs2027434, ClinGen allele CA13088996.